The following is an entry in ClinVar:

NM_000318.3(PEX2):c.22G>T (p.Ala8Ser)

Gene: PEX2 (peroxisomal biogenesis factor 2; minus strand). Cytogenetic location: 8q21.13.
Variant type: single nucleotide variant.
Coding change: c.22G>T on transcript NM_000318.3 (MANE Select); coding-DNA position 22, G replaced by T.
Protein change: p.Ala8Ser; replaces alanine 8 with serine.
Molecular consequence: missense variant.
Genome position (GRCh38, 1-based): chr8:76,984,157, C>A on the plus strand (G>T on the coding strand, the complement: PEX2 is on the minus strand). VCF-style: chr8-76984157-C-A. GRCh37 (hg19) VCF-style: chr8-77896393-C-A.
Other names: c.22G>T, p.Ala8Ser (NM_001079867.2, NM_001172086.2, NM_001172087.2); short protein forms A8S.
Identifiers: ClinVar variation 1425243 (VCV001425243.6), dbSNP rs2132045041, ClinGen allele CA371558261.

ClinVar aggregate classification (germline): Uncertain significance (1 of 4 stars; one submission).

Conditions:
Peroxisome biogenesis disorder 5A (Zellweger) (PBD5A). Identifiers: Orphanet 912, MedGen C3553940, MONDO:0013932, OMIM 614866.

Submission:

Labcorp Genetics (formerly Invitae), Labcorp
Classification: Uncertain significance for Peroxisome biogenesis disorder 5A (Zellweger). Last evaluated: 2021-12-13. Review status: criteria provided, single submitter. Criteria: Invitae Variant Classification Sherloc (09022015). Collection method: clinical testing. Allele origin: germline.
Comment: This sequence change replaces alanine, which is neutral and non-polar, with serine, which is neutral and polar, at codon 8 of the PEX2 protein (p.Ala8Ser). In summary, the available evidence is currently insufficient to determine the role of this variant in disease. Therefore, it has been classified as a Variant of Uncertain Significance. Algorithms developed to predict the effect of missense changes on protein structure and function (SIFT, PolyPhen-2, Align-GVGD) all suggest that this variant is likely to be tolerated. This variant has not been reported in the literature in individuals affected with PEX2-related conditions. This variant is not present in population databases (gnomAD no frequency).